The following is an entry in ClinVar:

NM_017617.5(NOTCH1):c.4927G>T (p.Ala1643Ser)

Gene: NOTCH1 (notch receptor 1; minus strand). Cytogenetic location: 9q34.3.
Variant type: single nucleotide variant.
Coding change: c.4927G>T on transcript NM_017617.5 (MANE Select); coding-DNA position 4927, G replaced by T.
Protein change: p.Ala1643Ser; replaces alanine 1643 with serine.
Molecular consequence: missense variant.
Genome position (GRCh38, 1-based): chr9:136,504,764, C>A on the plus strand (G>T on the coding strand, the complement: NOTCH1 is on the minus strand). VCF-style: chr9-136504764-C-A. GRCh37 (hg19) VCF-style: chr9-139399216-C-A.
Other names: short protein forms A1643S.
Identifiers: ClinVar variation 5025792 (VCV005025792.1).

ClinVar aggregate classification (germline): Uncertain significance (1 of 4 stars; one submission).

Conditions:
Familial thoracic aortic aneurysm and aortic dissection (TAAD). Also called: Thoracic aortic aneurysms and dissections. Identifiers: Orphanet 91387, MedGen C4707243, MONDO:0019625.

gnomAD v4.1: 8 of 1,549,986 alleles (0.00052%); highest among the groups gnomAD compares: Non-Finnish European, 0.00052%; no homozygotes.

Submission:

Ambry Genetics
Classification: Uncertain significance for Familial thoracic aortic aneurysm and aortic dissection. Last evaluated: 2026-06-22. Review status: criteria provided, single submitter. Criteria: Ambry Variant Classification Scheme 2023. Collection method: clinical testing. Allele origin: germline.
Comment: The p.A1643S variant (also known as c.4927G>T), located in coding exon 26 of the NOTCH1 gene, results from a G to T substitution at nucleotide position 4927. The alanine at codon 1643 is replaced by serine, an amino acid with similar properties. This amino acid position is conserved. In addition, this alteration is predicted to be tolerated by in silico analysis. Based on the available evidence, the clinical significance of this variant remains unclear.